The following is an entry in ClinVar:

ClinVar aggregate classification (germline): Uncertain significance (1 of 4 stars; one submission).

Allele frequency attached by ClinVar (database versions not stated): gnomAD exomes below 0.00001.
gnomAD v4.1: 1 of 1,614,132 alleles (0.000062%); highest among the groups gnomAD compares: Non-Finnish European, 0.000085%; no homozygotes.

Submission:

GeneDx
Classification: Uncertain significance. Last evaluated: 2025-01-04. Review status: criteria provided, single submitter. Criteria: GeneDx Variant Classification Process June 2021. Collection method: clinical testing. Allele origin: germline. Affected: yes.
Comment: Not observed at significant frequency in large population cohorts (gnomAD); In silico analysis supports that this missense variant has a deleterious effect on protein structure/function; Has not been previously published as pathogenic or benign to our knowledge

NM_001005273.3(CHD3):c.1546C>T (p.Arg516Trp)

Gene: CHD3 (chromodomain helicase DNA binding protein 3; plus strand). Cytogenetic location: 17p13.1.
Variant type: single nucleotide variant.
Coding change: c.1546C>T on transcript NM_001005273.3 (MANE Select); coding-DNA position 1546, C replaced by T.
Protein change: p.Arg516Trp; replaces arginine 516 with tryptophan.
Molecular consequence: missense variant.
Genome position (GRCh38, 1-based): chr17:7,895,381, C>T. VCF-style: chr17-7895381-C-T. GRCh37 (hg19) VCF-style: chr17-7798699-C-T.
Other names: c.1723C>T, p.Arg575Trp (NM_001005271.3); c.1546C>T, p.Arg516Trp (NM_005852.4); short protein forms R516W, R575W.
Identifiers: ClinVar variation 2582117 (VCV002582117.2), dbSNP rs2544840638, ClinGen allele CA397939992.
Genomic context (GRCh38, chr17:7,895,381, plus strand): 5'-TACGTGTCCATCCCAAAGTGCCCCGTGCTGAAGGGTCGAGTGCAGAAGATCCTACATTGG[C>T]GGTGGGGGGAGCCACCTGTAGCAGTGCCAGCCCCTCAACAGGCAGATGGAAATCCAGATG-3'
Protein context (NP_001005273.1, residues 506-526): KGRVQKILHW[Arg516Trp]WGEPPVAVPA